The following is an entry in ClinVar:

NM_000797.4(DRD4):c.816T>C (p.Gly272=)

Gene: DRD4 (dopamine receptor D4; plus strand). Cytogenetic location: 11p15.5.
Variant type: single nucleotide variant.
Coding change: c.816T>C on transcript NM_000797.4 (MANE Select); coding-DNA position 816, T replaced by C.
Protein change: p.Gly272=; no amino-acid change (glycine 272 retained).
Molecular consequence: synonymous variant.
Genome position (GRCh38, 1-based): chr11:640,065, T>C. VCF-style: chr11-640065-T-C. GRCh37 (hg19) VCF-style: chr11-640065-T-C.
Identifiers: ClinVar variation 2507415 (VCV002507415.25), dbSNP rs1256049181, ClinGen allele CA5785829.

ClinVar aggregate classification (germline): Conflicting classifications of pathogenicity. Review status: criteria provided, conflicting classifications (1 of 4 stars). 2 submissions from 2 submitters: Uncertain significance (1); Likely benign (1). Last evaluated 2025-11-01.

Conditions:
Hereditary attention deficit-hyperactivity disorder. Also called: HYPERACTIVITY OF CHILDHOOD. Identifiers: MedGen CN324066, MONDO:0100518, OMIM 143465.

Submissions (2):

CeGaT Center for Human Genetics Tuebingen
Classification: Likely benign. Last evaluated: 2025-11-01. Review status: criteria provided, single submitter. Criteria: CeGaT Center For Human Genetics Tuebingen Variant Classification Criteria Version 2. Collection method: clinical testing. Allele origin: germline. Affected: yes. Observed: 9 variant alleles.
Comment: DRD4: BP4, BP7

Clinical Genomics, Uppaluri K&H Personalized Medicine Clinic
Classification: Uncertain significance for Hereditary attention deficit-hyperactivity disorder. Review status: criteria provided, single submitter. Criteria: K &amp; H Uppaluri Personalized Medicine Clinic Variant Classification &amp; Assertion Criteria_Updated V.1. Collection method: clinical testing. Allele origin: germline. Inheritance: Autosomal dominant inheritance. Affected: yes. Observed: 1 heterozygote.
Comment: Potent mutations in Dopamine receptor uptake gene leads to decreased brain uptake of neuromodulator dopamine and are strongly associated with onset of Attention deficit hyperactivity disorder. However more evidence is required to confer the association of this particular rs1256049181 with Attention deficit hyperactivity disorder.

Literature cited by the submitters: PubMed 20644990 (cited by Clinical Genomics, Uppaluri K&H Personalized Medicine Clinic); PubMed 36211978 (cited by Clinical Genomics, Uppaluri K&H Personalized Medicine Clinic); PubMed 10654656 (cited by Clinical Genomics, Uppaluri K&H Personalized Medicine Clinic); PubMed 30099719 (cited by Clinical Genomics, Uppaluri K&H Personalized Medicine Clinic); PubMed 25262643 (cited by Clinical Genomics, Uppaluri K&H Personalized Medicine Clinic); PubMed 29781347 (cited by Clinical Genomics, Uppaluri K&H Personalized Medicine Clinic).